The following is an entry in ClinVar:

NM_201384.3(PLEC):c.4746C>T (p.Arg1582=)

Gene: PLEC (plectin; minus strand). Cytogenetic location: 8q24.3.
Variant type: single nucleotide variant.
Coding change: c.4746C>T on transcript NM_201384.3 (MANE Select); coding-DNA position 4746, C replaced by T.
Protein change: p.Arg1582=; no amino-acid change (arginine 1582 retained).
Molecular consequence: synonymous variant. On other transcripts: intron variant (1).
Genome position (GRCh38, 1-based): chr8:143,925,183, G>A on the plus strand (C>T on the coding strand, the complement: PLEC is on the minus strand). VCF-style: chr8-143925183-G-A. GRCh37 (hg19) VCF-style: chr8-144999351-G-A.
Other names: c.4827C>T, p.Arg1609= (NM_000445.5); c.4704C>T, p.Arg1568= (NM_201378.4); c.4680C>T, p.Arg1560= (NM_201379.3); c.5157C>T, p.Arg1719= (NM_201380.4); c.4650C>T, p.Arg1550= (NM_201381.3); c.4746C>T, p.Arg1582= (NM_201382.4); c.4758C>T, p.Arg1586= (NM_201383.3); c.4125+1601C>T (NM_001410941.1).
Identifiers: ClinVar variation 2928394 (VCV002928394.10), dbSNP rs782672214, ClinGen allele CA4926551.
Genomic context (GRCh38, chr8:143,925,183, plus strand): 5'-AGCCACGTGTTCCTCCTGCAGGGAGCGCTCCAGCTGTGCCGTCTTCTCGGCGAAGGAGGC[G>A]CGTTTGCTCTGCAGCTCCGCCTCTGCACTGCGCTGCGCCGTCTCCAGGGCCACCTGTACC-3'
Protein context (NP_958786.1, residues 1572-1592): RSAEAELQSK[Arg1582=]ASFAEKTAQL

ClinVar aggregate classification (germline): Likely benign. Review status: criteria provided, multiple submitters, no conflicts (2 of 4 stars). 2 submissions from 2 submitters: Likely benign (2). Last evaluated 2026-01-21.

Conditions:
Epidermolysis bullosa simplex 5B, with muscular dystrophy (EBS5B). Also called: EPIDERMOLYSIS BULLOSA SIMPLEX AND LIMB-GIRDLE MUSCULAR DYSTROPHY; Epidermolysis bullosa simplex with muscular dystrophy. Identifiers: Orphanet 257, MedGen C2931072, MONDO:0009181, OMIM 226670.
Epidermolysis bullosa simplex 5C, with pyloric atresia (EBS5C). Also called: PLEC-Related Epidermolysis Bullosa with Pyloric Atresia; Epidermolysis bullosa simplex with pyloric atresia; PLEC1-Related Epidermolysis Bullosa with Pyloric Atresia. Identifiers: Orphanet 158684, MedGen C2677349, MONDO:0012807, OMIM 612138.
Autosomal recessive limb-girdle muscular dystrophy type 2Q (LGMDR17). Also called: MUSCULAR DYSTROPHY, LIMB-GIRDLE, AUTOSOMAL RECESSIVE 17. Identifiers: Orphanet 254361, MedGen C3150989, MONDO:0013390, OMIM 613723.
Epidermolysis bullosa simplex, Ogna type (EBS5A). Also called: Pidermolysis bullosa simplex 5A, Ogna type; EPIDERMOLYSIS BULLOSA SIMPLEX 5A, OGNA TYPE. Identifiers: Orphanet 79401, MedGen C0432317, MONDO:0007555, OMIM 131950.
Epidermolysis bullosa simplex with nail dystrophy (EBS5D). Identifiers: MedGen C4225309, MONDO:0014661, OMIM 616487.

Allele frequency attached by ClinVar (database versions not stated): TOPMed 0.00001; gnomAD 0.00003; ExAC 0.00009; gnomAD exomes 0.00001.
gnomAD v4.1: 24 of 1,575,934 alleles (0.0015%); highest among the groups gnomAD compares: East Asian, 0.0023%; no homozygotes.

Submissions (2):

Labcorp Genetics (formerly Invitae), Labcorp
Classification: Likely benign for Autosomal recessive limb-girdle muscular dystrophy type 2Q; Epidermolysis bullosa simplex, Ogna type; Epidermolysis bullosa simplex with nail dystrophy; Epidermolysis bullosa simplex 5C, with pyloric atresia; Epidermolysis bullosa simplex 5B, with muscular dystrophy. Last evaluated: 2026-01-21. Review status: criteria provided, single submitter. Criteria: Invitae Variant Classification Sherloc (09022015). Collection method: clinical testing. Allele origin: germline.

CeGaT Center for Human Genetics Tuebingen
Classification: Likely benign. Last evaluated: 2025-09-01. Review status: criteria provided, single submitter. Criteria: CeGaT Center For Human Genetics Tuebingen Variant Classification Criteria Version 2. Collection method: clinical testing. Allele origin: germline. Affected: yes. Observed: 1 variant allele.
Comment: PLEC: BP4, BP7